The following is an entry in ClinVar:

ClinVar aggregate classification (germline): Uncertain significance (1 of 4 stars; one submission).

Submission:

Labcorp Genetics (formerly Invitae), Labcorp
Classification: Uncertain significance. Last evaluated: 2021-07-21. Review status: criteria provided, single submitter. Criteria: Invitae Variant Classification Sherloc (09022015). Collection method: clinical testing. Allele origin: germline.
Comment: In summary, the available evidence is currently insufficient to determine the role of this variant in disease. Therefore, it has been classified as a Variant of Uncertain Significance. Experimental studies and prediction algorithms are not available or were not evaluated, and the functional significance of this variant is currently unknown. This variant has not been reported in the literature in individuals with HTT-related conditions. This variant is not present in population databases (ExAC no frequency). This sequence change replaces glutamine with histidine at codon 565 of the HTT protein (p.Gln565His). The glutamine residue is moderately conserved and there is a small physicochemical difference between glutamine and histidine.

NM_001388492.1(HTT):c.1689G>C (p.Gln563His)

Gene: HTT (huntingtin; plus strand). Cytogenetic location: 4p16.3.
Variant type: single nucleotide variant.
Coding change: c.1689G>C on transcript NM_001388492.1 (MANE Select); coding-DNA position 1689, G replaced by C.
Protein change: p.Gln563His; replaces glutamine 563 with histidine.
Molecular consequence: missense variant.
Genome position (GRCh38, 1-based): chr4:3,127,550, G>C. VCF-style: chr4-3127550-G-C. GRCh37 (hg19) VCF-style: chr4-3129277-G-C.
Other names: c.1695G>C, p.Gln565His (NM_002111.8); short protein forms Q563H, Q565H.
Identifiers: ClinVar variation 1499912 (VCV001499912.6), dbSNP rs1715580038, ClinGen allele CA356076428.